The following is an entry in ClinVar:

ClinVar aggregate classification (germline): Uncertain significance. Review status: criteria provided, multiple submitters, no conflicts (2 of 4 stars). 2 submissions from 2 submitters: Uncertain significance (2). Last evaluated 2025-06-09.

Conditions:
Inborn genetic diseases. Identifiers: MedGen C0950123, MeSH D030342.

Allele frequency attached by ClinVar (database versions not stated): gnomAD exomes 0.00001; TOPMed below 0.00001.
gnomAD v4.1: 12 of 1,614,060 alleles (0.00074%); highest among the groups gnomAD compares: Non-Finnish European, 0.001%; no homozygotes.

Submissions (2):

Labcorp Genetics (formerly Invitae), Labcorp
Classification: Uncertain significance. Last evaluated: 2025-06-09. Review status: criteria provided, single submitter. Criteria: Invitae Variant Classification Sherloc (09022015). Collection method: clinical testing. Allele origin: germline.
Comment: This sequence change replaces cysteine, which is neutral and slightly polar, with arginine, which is basic and polar, at codon 296 of the MBD4 protein (p.Cys296Arg). This variant is present in population databases (no rsID available, gnomAD 0.002%). This variant has not been reported in the literature in individuals affected with MBD4-related conditions. ClinVar contains an entry for this variant (Variation ID: 2959327). An algorithm developed to predict the effect of missense changes on protein structure and function outputs the following: PolyPhen-2: "Benign". The arginine amino acid residue is found in multiple mammalian species, which suggests that this missense change does not adversely affect protein function. In summary, the available evidence is currently insufficient to determine the role of this variant in disease. Therefore, it has been classified as a Variant of Uncertain Significance.

Ambry Genetics
Classification: Uncertain significance for Inborn genetic diseases. Last evaluated: 2024-12-16. Review status: criteria provided, single submitter. Criteria: Ambry Variant Classification Scheme 2023. Collection method: clinical testing. Allele origin: germline.
Comment: The p.C296R variant (also known as c.886T>C), located in coding exon 3 of the MBD4 gene, results from a T to C substitution at nucleotide position 886. The cysteine at codon 296 is replaced by arginine, an amino acid with highly dissimilar properties. This amino acid position is conserved. In addition, this alteration is predicted to be tolerated by in silico analysis. Based on the available evidence, the clinical significance of this variant remains unclear.

NM_001276270.2(MBD4):c.886T>C (p.Cys296Arg)

Gene: MBD4 (methyl-CpG binding domain 4, DNA glycosylase; minus strand). Cytogenetic location: 3q21.3.
Variant type: single nucleotide variant.
Coding change: c.886T>C on transcript NM_001276270.2 (MANE Select); coding-DNA position 886, T replaced by C.
Protein change: p.Cys296Arg; replaces cysteine 296 with arginine.
Molecular consequence: missense variant. On other transcripts: intron variant (1).
Genome position (GRCh38, 1-based): chr3:129,436,758, A>G on the plus strand (T>C on the coding strand, the complement: MBD4 is on the minus strand). VCF-style: chr3-129436758-A-G. GRCh37 (hg19) VCF-style: chr3-129155601-A-G.
Other names: c.886T>C, p.Cys296Arg (NM_001276271.2, NM_001276272.2, NM_003925.3); c.247+1050T>C (NM_001276273.2); short protein forms C296R.
Identifiers: ClinVar variation 2959327 (VCV002959327.4), dbSNP rs1206774843, ClinGen allele CA354467037.
Genomic context (GRCh38, chr3:129,436,758, plus strand): 5'-ATCTTTCTTTTTTTTTTACAAGGCTGTTTTCTTCACTGGTCACACTGAGGGTCTCACCAC[A>G]TGCTCCAGCATCAGAAATGCAGACAGTTCTATCAAGCTGACTTTTTTGTGCAACAGGTTC-3'
Protein context (NP_001263199.1, residues 286-306): RTVCISDAGA[Cys296Arg]GETLSVTSEE